The following is an entry in ClinVar:

NM_001042492.3(NF1):c.3780G>T (p.Met1260Ile)

Gene: NF1 (neurofibromin 1; plus strand). Cytogenetic location: 17q11.2.
Variant type: single nucleotide variant.
Coding change: c.3780G>T on transcript NM_001042492.3 (MANE Select); coding-DNA position 3780, G replaced by T.
Protein change: p.Met1260Ile; replaces methionine 1260 with isoleucine.
Molecular consequence: missense variant.
Genome position (GRCh38, 1-based): chr17:31,235,682, G>T. VCF-style: chr17-31235682-G-T. GRCh37 (hg19) VCF-style: chr17-29562700-G-T.
Other names: c.3780G>T, p.Met1260Ile (NM_000267.4); short protein forms M1260I.
Identifiers: ClinVar variation 1734850 (VCV001734850.3), dbSNP rs2067187512, ClinGen allele CA398992578.

ClinVar aggregate classification (germline): Uncertain significance (1 of 4 stars; one submission).

Conditions:
Hereditary cancer-predisposing syndrome. Also called: Neoplastic Syndromes, Hereditary; Tumor predisposition; Hereditary Cancer Syndrome; Hereditary neoplastic syndrome. Identifiers: Orphanet 140162, MedGen C0027672, MeSH D009386, MONDO:0015356.
Cardiovascular phenotype. Identifiers: MedGen CN230736.

Allele frequency attached by ClinVar (database versions not stated): gnomAD exomes below 0.00001; TOPMed below 0.00001; gnomAD 0.00001.

Submission:

Ambry Genetics
Classification: Uncertain significance for Cardiovascular phenotype; Hereditary cancer-predisposing syndrome. Last evaluated: 2023-02-27. Review status: criteria provided, single submitter. Criteria: Ambry Variant Classification Scheme 2023. Collection method: clinical testing. Allele origin: germline.
Comment: The p.M1260I variant (also known as c.3780G>T), located in coding exon 28 of the NF1 gene, results from a G to T substitution at nucleotide position 3780. The methionine at codon 1260 is replaced by isoleucine, an amino acid with highly similar properties. This amino acid position is highly conserved in available vertebrate species. In addition, this alteration is predicted to be deleterious by in silico analysis. Since supporting evidence is limited at this time, the clinical significance of this alteration remains unclear.